The following is an entry in ClinVar:

ClinVar aggregate classification (germline): Uncertain significance. Review status: criteria provided, multiple submitters, no conflicts (2 of 4 stars). 2 submissions from 2 submitters: Uncertain significance (2). Last evaluated 2022-07-22.

Conditions:
Methylmalonic aciduria and homocystinuria type cblD (MAHCD). Also called: METHYLMALONIC ACIDEMIA, cblH TYPE; Methylmalonic aciduria with homocystinuria cblD type. Identifiers: Orphanet 622, Orphanet 79283, MedGen C1848552, MONDO:0010185, OMIM 277410.

Allele frequency attached by ClinVar (database versions not stated): gnomAD exomes 0.00002; TOPMed 0.00002; ExAC 0.00003.
gnomAD v4.1: 28 of 1,610,754 alleles (0.0017%); highest among the groups gnomAD compares: Non-Finnish European, 0.0024%; no homozygotes.

Submissions (2):

Labcorp Genetics (formerly Invitae), Labcorp
Classification: Uncertain significance for Methylmalonic aciduria and homocystinuria type cblD. Last evaluated: 2022-07-22. Review status: criteria provided, single submitter. Criteria: Invitae Variant Classification Sherloc (09022015). Collection method: clinical testing. Allele origin: germline.
Comment: This sequence change replaces glutamic acid, which is acidic and polar, with lysine, which is basic and polar, at codon 122 of the MMADHC protein (p.Glu122Lys). This variant is present in population databases (rs777544556, gnomAD 0.006%). This variant has not been reported in the literature in individuals affected with MMADHC-related conditions. ClinVar contains an entry for this variant (Variation ID: 871540). Algorithms developed to predict the effect of missense changes on protein structure and function are either unavailable or do not agree on the potential impact of this missense change (SIFT: "Tolerated"; PolyPhen-2: "Possibly Damaging"; Align-GVGD: "Class C0"). In summary, the available evidence is currently insufficient to determine the role of this variant in disease. Therefore, it has been classified as a Variant of Uncertain Significance.

CeGaT Center for Human Genetics Tuebingen
Classification: Uncertain significance. Last evaluated: 2019-11-01. Review status: criteria provided, single submitter. Criteria: CeGaT Center For Human Genetics Tuebingen Variant Classification Criteria Version 2. Collection method: clinical testing. Allele origin: germline. Affected: yes. Observed: 3 variant alleles.

NM_015702.3(MMADHC):c.364G>A (p.Glu122Lys)

Gene: MMADHC (metabolism of cobalamin associated D; minus strand). Cytogenetic location: 2q23.2.
Variant type: single nucleotide variant.
Coding change: c.364G>A on transcript NM_015702.3 (MANE Select); coding-DNA position 364, G replaced by A.
Protein change: p.Glu122Lys; replaces glutamic acid 122 with lysine.
Molecular consequence: missense variant.
Genome position (GRCh38, 1-based): chr2:149,579,439, C>T on the plus strand (G>A on the coding strand, the complement: MMADHC is on the minus strand). VCF-style: chr2-149579439-C-T. GRCh37 (hg19) VCF-style: chr2-150435953-C-T.
Other names: short protein forms E122K.
Identifiers: ClinVar variation 871540 (VCV000871540.42), dbSNP rs777544556, ClinGen allele CA1902444.
Genomic context (GRCh38, chr2:149,579,439, plus strand): 5'-TCATATAGCATTAATAATCAGGAAAGCACAATAAATGTTACCAACAATTTACCTGAAATT[C>T]ATTCACATATTGTGCCATCACAAACTCATGTCTTTCACTTGATAAAGGTTCTGCTAGAAC-3'
Protein context (NP_056517.1, residues 112-132): HEFVMAQYVN[Glu122Lys]FQGNDAPVEQ